The following is an entry in ClinVar:

NM_020433.5(JPH2):c.584T>C (p.Ile195Thr)

Gene: JPH2 (junctophilin 2; minus strand). Cytogenetic location: 20q13.12.
Variant type: single nucleotide variant.
Coding change: c.584T>C on transcript NM_020433.5 (MANE Select); coding-DNA position 584, T replaced by C.
Protein change: p.Ile195Thr; replaces isoleucine 195 with threonine.
Molecular consequence: missense variant.
Genome position (GRCh38, 1-based): chr20:44,160,203, A>G on the plus strand (T>C on the coding strand, the complement: JPH2 is on the minus strand). VCF-style: chr20-44160203-A-G. GRCh37 (hg19) VCF-style: chr20-42788843-A-G.
Other names: short protein forms I195T.
Identifiers: ClinVar variation 449183 (VCV000449183.2), dbSNP rs1555858785, ClinGen allele CA409094092.

ClinVar aggregate classification (germline): Uncertain significance (1 of 4 stars; one submission).

Allele frequency attached by ClinVar (database versions not stated): gnomAD exomes below 0.00001.
gnomAD v4.1: 6 of 1,407,146 alleles (0.00043%); highest among the groups gnomAD compares: Non-Finnish European, 0.00055%; no homozygotes.

Submission:

GeneDx
Classification: Uncertain significance. Last evaluated: 2016-08-22. Review status: criteria provided, single submitter. Criteria: GeneDx Variant Classification (06012015). Collection method: clinical testing. Allele origin: germline. Affected: yes.
Comment: A variant of uncertain significance has been identified in the JPH2 gene. The I195T variant has not been published as a pathogenic variant, nor has it been reported as a benign variant to our knowledge. The I195T variant is a non-conservative amino acid substitution, which is likely to impact secondary protein structure as these residues differ in polarity, charge, size and/or other properties. This substitution occurs at a position where only amino acids with similar properties to Isoleucine are tolerated across species. However, in silico analysis is inconsistent in its predictions as to whether or not the variant is damaging to the protein structure/function. Furthermore, data from control individuals in an external variant database was not available to assess whether I195T may be a common benign variant in the general population. Therefore, based on the currently available information, it is unclear whether this variant is pathogenic or benign.